The following is an entry in ClinVar:

NM_003200.5(TCF3):c.1436C>T (p.Pro479Leu)

Gene: TCF3 (transcription factor 3; minus strand). Cytogenetic location: 19p13.3.
Variant type: single nucleotide variant.
Coding change: c.1436C>T on transcript NM_003200.5 (MANE Select); coding-DNA position 1436, C replaced by T.
Protein change: p.Pro479Leu; replaces proline 479 with leucine.
Molecular consequence: missense variant.
Genome position (GRCh38, 1-based): chr19:1,619,125, G>A on the plus strand (C>T on the coding strand, the complement: TCF3 is on the minus strand). VCF-style: chr19-1619125-G-A. GRCh37 (hg19) VCF-style: chr19-1619124-G-A.
Other names: c.1436C>T, p.Pro479Leu (NM_001136139.4, NM_001351779.2); c.1433C>T, p.Pro478Leu (NM_001351778.2); short protein forms P478L, P479L.
Identifiers: ClinVar variation 4751309 (VCV004751309.1).

ClinVar aggregate classification (germline): Uncertain significance (1 of 4 stars; one submission).

gnomAD v4.1: 1 of 1,599,690 alleles (0.000063%); highest among the groups gnomAD compares: East Asian, 0.0022%; no homozygotes.

Submission:

Labcorp Genetics (formerly Invitae), Labcorp
Classification: Uncertain significance. Last evaluated: 2025-08-12. Review status: criteria provided, single submitter. Criteria: Invitae Variant Classification Sherloc (09022015). Collection method: clinical testing. Allele origin: germline.
Comment: This sequence change replaces proline, which is neutral and non-polar, with leucine, which is neutral and non-polar, at codon 479 of the TCF3 protein (p.Pro479Leu). This variant is present in population databases (no rsID available, gnomAD 0.01%). This variant has not been reported in the literature in individuals affected with TCF3-related conditions. Invitae Evidence Modeling of protein sequence and biophysical properties (such as structural, functional, and spatial information, amino acid conservation, physicochemical variation, residue mobility, and thermodynamic stability) indicates that this missense variant is not expected to disrupt TCF3 protein function with a negative predictive value of 80%. In summary, the available evidence is currently insufficient to determine the role of this variant in disease. Therefore, it has been classified as a Variant of Uncertain Significance.